The following is an entry in ClinVar:

ClinVar aggregate classification (germline): Uncertain significance (1 of 4 stars; one submission).

Conditions:
Hereditary cancer-predisposing syndrome. Also called: Tumor predisposition; Hereditary neoplastic syndrome; Hereditary Cancer Syndrome; Neoplastic Syndromes, Hereditary. Identifiers: Orphanet 140162, MedGen C0027672, MeSH D009386, MONDO:0015356.

Submission:

Ambry Genetics
Classification: Uncertain significance for Hereditary cancer-predisposing syndrome. Last evaluated: 2024-01-16. Review status: criteria provided, single submitter. Criteria: Ambry Variant Classification Scheme 2023. Collection method: clinical testing. Allele origin: germline.
Comment: The p.V1538I variant (also known as c.4612G>A), located in coding exon 30 of the ATM gene, results from a G to A substitution at nucleotide position 4612. This variant impacts the first base pair of coding exon 30. The valine at codon 1538 is replaced by isoleucine, an amino acid with highly similar properties. This amino acid position is highly conserved in available vertebrate species. In addition, this alteration is predicted to be tolerated by in silico analysis. Since supporting evidence is limited at this time, the clinical significance of this alteration remains unclear.

NM_000051.4(ATM):c.4612G>A (p.Val1538Ile)

Gene: ATM (ATM serine/threonine kinase; plus strand). Cytogenetic location: 11q22.3.
Variant type: single nucleotide variant.
Coding change: c.4612G>A on transcript NM_000051.4 (MANE Select); coding-DNA position 4612, G replaced by A.
Protein change: p.Val1538Ile; replaces valine 1538 with isoleucine.
Molecular consequence: missense variant.
Genome position (GRCh38, 1-based): chr11:108,293,313, G>A. VCF-style: chr11-108293313-G-A. GRCh37 (hg19) VCF-style: chr11-108164040-G-A.
Other names: c.4612G>A, p.Val1538Ile (NM_001351834.2); short protein forms V1538I.
Identifiers: ClinVar variation 3221457 (VCV003221457.1), dbSNP rs1034235291, ClinGen allele CA382534563.